The following is an entry in ClinVar:

NM_000090.4(COL3A1):c.3392G>T (p.Gly1131Val)

Gene: COL3A1 (collagen type III alpha 1 chain; plus strand). Cytogenetic location: 2q32.2.
Variant type: single nucleotide variant.
Coding change: c.3392G>T on transcript NM_000090.4 (MANE Select); coding-DNA position 3392, G replaced by T.
Protein change: p.Gly1131Val; replaces glycine 1131 with valine.
Molecular consequence: missense variant.
Genome position (GRCh38, 1-based): chr2:189,007,913, G>T. VCF-style: chr2-189007913-G-T. GRCh37 (hg19) VCF-style: chr2-189872639-G-T.
Other names: short protein forms G1131V.
Identifiers: ClinVar variation 2024940 (VCV002024940.4), dbSNP rs2469163029, ClinGen allele CA349846126.
Genomic context (GRCh38, chr2:189,007,913, plus strand): 5'-TTCACTCCTATGTACACTTCCTTTCTTTCCAGGGCCCTGCTGGTCAGCAGGGTGCAATCG[G>T]CAGTCCAGGACCTGCAGGCCCCAGAGTAAGTAGCACAGAAAGATATTACAGGTCCACATG-3'
Protein context (NP_000081.2, residues 1121-1141): PGPAGQQGAI[Gly1131Val]SPGPAGPRGP

ClinVar aggregate classification (germline): Likely pathogenic (1 of 4 stars; one submission).

Conditions:
Ehlers-Danlos syndrome, type 4 (EDSVASC). Also called: Ehlers-Danlos syndrome vascular type; Ehlers Danlos syndrome, ecchymotic type; Ehlers Danlos syndrome, arterial type; Ehlers Danlos syndrome, Sack-Barabas type; Ehlers-Danlos Syndrome Type IV. Identifiers: Orphanet 286, MedGen C0268338, MONDO:0017314, OMIM 130050.

Submission:

Labcorp Genetics (formerly Invitae), Labcorp
Classification: Likely pathogenic for Ehlers-Danlos syndrome, type 4. Last evaluated: 2023-01-26. Review status: criteria provided, single submitter. Criteria: Invitae Variant Classification Sherloc (09022015). Collection method: clinical testing. Allele origin: germline.
Comment: This sequence change replaces glycine, which is neutral and non-polar, with valine, which is neutral and non-polar, at codon 1131 of the COL3A1 protein (p.Gly1131Val). This variant is not present in population databases (gnomAD no frequency). This variant has not been reported in the literature in individuals affected with COL3A1-related conditions. Advanced modeling of protein sequence and biophysical properties (such as structural, functional, and spatial information, amino acid conservation, physicochemical variation, residue mobility, and thermodynamic stability) performed at Invitae indicates that this missense variant is expected to disrupt COL3A1 protein function. This variant disrupts the triple helix domain of COL3A1. Glycine residues within the Gly-Xaa-Yaa repeats of the triple helix domain are required for the structure and stability of fibrillar collagens (PMID: 7695699, 8218237, 19344236). In COL3A1, variants that affect these glycine residues are significantly enriched in individuals with disease (PMID: 24922459, 25758994) compared to the general population (ExAC). In summary, the currently available evidence indicates that the variant is pathogenic, but additional data are needed to prove that conclusively. Therefore, this variant has been classified as Likely Pathogenic.

Literature cited by the submitters: PubMed 7695699; PubMed 8218237; PubMed 19344236; PubMed 24922459; PubMed 25758994.